The following is an entry in ClinVar:

NM_182961.4(SYNE1):c.23116G>C (p.Glu7706Gln)

Gene: SYNE1 (spectrin repeat containing nuclear envelope protein 1; minus strand). Cytogenetic location: 6q25.2.
Variant type: single nucleotide variant.
Coding change: c.23116G>C on transcript NM_182961.4 (MANE Select); coding-DNA position 23116, G replaced by C.
Protein change: p.Glu7706Gln; replaces glutamic acid 7706 with glutamine.
Molecular consequence: missense variant.
Genome position (GRCh38, 1-based): chr6:152,201,853, C>G on the plus strand (G>C on the coding strand, the complement: SYNE1 is on the minus strand). VCF-style: chr6-152201853-C-G. GRCh37 (hg19) VCF-style: chr6-152522988-C-G.
Other names: c.22903G>C, p.Glu7635Gln (NM_033071.5); short protein forms E7635Q, E7706Q.
Identifiers: ClinVar variation 596424 (VCV000596424.14), dbSNP rs200066979, ClinGen allele CA4053691.
Genomic context (GRCh38, chr6:152,201,853, plus strand): 5'-TGACGGTGAAAATCTCAGTTCAGTAATTTACCTTGCAACGCATTTGTTCTGCATGGAGCT[C>G]TTCATGGTGATCCGGGAGAGACTGCGAAAGCTTCTTTTTGAAAGTTCGTAGTTTCTCCAG-3'
Protein context (NP_892006.3, residues 7696-7716): LSQSLPDHHE[Glu7706Gln]LHAEQMRCKE

ClinVar aggregate classification (germline): Uncertain significance. Review status: criteria provided, multiple submitters, no conflicts (2 of 4 stars). 2 submissions from 2 submitters: Uncertain significance (2). Last evaluated 2022-10-24.

Conditions:
Autosomal recessive ataxia, Beauce type. Also called: Spinocerebellar ataxia, autosomal recessive 8; ATAXIA, RECESSIVE, OF BEAUCE; SYNE1 Deficiency; SYNE1-Related Autosomal Recessive Cerebellar Ataxia. Identifiers: Orphanet 88644, MedGen C1853116, MONDO:0012549, OMIM 610743.
Emery-Dreifuss muscular dystrophy 4, autosomal dominant (EDMD4). Also called: EMERY-DREIFUSS MUSCULAR DYSTROPHY 4 WITH VARIABLE FEATURES. Identifiers: Orphanet 261, MedGen C2751807, MONDO:0013071, OMIM 612998.

Allele frequency attached by ClinVar (database versions not stated): gnomAD exomes 0.00002 and 0.00008; gnomAD 0.00003 and 0.00001; TOPMed 0.00004; ExAC 0.00010; 1000 Genomes Project 30x 0.00016; 1000 Genomes Project 0.00020.
gnomAD v4.1: 32 of 1,613,928 alleles (0.002%); highest among the groups gnomAD compares: East Asian, 0.069%; no homozygotes.

Submissions (2):

Labcorp Genetics (formerly Invitae), Labcorp
Classification: Uncertain significance for Emery-Dreifuss muscular dystrophy 4, autosomal dominant; Autosomal recessive ataxia, Beauce type. Last evaluated: 2022-10-24. Review status: criteria provided, single submitter. Criteria: Invitae Variant Classification Sherloc (09022015). Collection method: clinical testing. Allele origin: germline.
Comment: In summary, the available evidence is currently insufficient to determine the role of this variant in disease. Therefore, it has been classified as a Variant of Uncertain Significance. Algorithms developed to predict the effect of missense changes on protein structure and function (SIFT, PolyPhen-2, Align-GVGD) all suggest that this variant is likely to be disruptive. ClinVar contains an entry for this variant (Variation ID: 596424). This variant has not been reported in the literature in individuals affected with SYNE1-related conditions. This variant is present in population databases (rs200066979, gnomAD 0.1%). This sequence change replaces glutamic acid, which is acidic and polar, with glutamine, which is neutral and polar, at codon 7635 of the SYNE1 protein (p.Glu7635Gln).

Eurofins Ntd Llc (ga)
Classification: Uncertain significance. Last evaluated: 2018-03-13. Review status: criteria provided, single submitter. Criteria: EGL ClinVar v180209 classification definitions. Collection method: clinical testing. Allele origin: germline. Observed: 1 variant allele, 1 heterozygote.